The following is an entry in ClinVar:

ClinVar aggregate classification (germline): Uncertain significance. Review status: criteria provided, multiple submitters, no conflicts (2 of 4 stars). 4 submissions from 4 submitters: Uncertain significance (4). Last evaluated 2025-07-02.

Conditions:
SEMA3E-related disorder. Also called: SEMA3E-related condition.
CHARGE syndrome (CHARGE). Also called: Hittner Hirsch Kreh syndrome; CHARGE ASSOCIATION--COLOBOMA, HEART ANOMALY, CHOANAL ATRESIA, RETARDATION, GENITAL AND EAR ANOMALIES; Coloboma, heart anomaly, choanal atresia, retardation, genital and ear anomalies; CHARGE association; Hall-Hittner syndrome. Identifiers: Orphanet 138, MedGen C0265354, MONDO:0008965.

Allele frequency attached by ClinVar (database versions not stated): gnomAD exomes 0.00001.
gnomAD v4.1: 17 of 1,613,216 alleles (0.0011%); highest among the groups gnomAD compares: Non-Finnish European, 0.0014%; no homozygotes.

Submissions (4):

PreventionGenetics, part of Exact Sciences
Classification: Uncertain significance for SEMA3E-related condition. Last evaluated: 2025-07-02. Review status: criteria provided, single submitter. Criteria: ACMG Guidelines, 2015. Collection method: clinical testing. Allele origin: germline.
Comment: The SEMA3E c.58T>C variant is predicted to result in the amino acid substitution p.Trp20Arg. To our knowledge, this variant has not been reported in the literature. This variant is reported in 0.0018% of alleles in individuals of European (Non-Finnish) descent in gnomAD. At this time, the clinical significance of this variant is uncertain due to the absence of conclusive functional and genetic evidence.

Labcorp Genetics (formerly Invitae), Labcorp
Classification: Uncertain significance for CHARGE syndrome. Last evaluated: 2024-02-13. Review status: criteria provided, single submitter. Criteria: Invitae Variant Classification Sherloc (09022015). Collection method: clinical testing. Allele origin: germline.
Comment: This sequence change replaces tryptophan, which is neutral and slightly polar, with arginine, which is basic and polar, at codon 20 of the SEMA3E protein (p.Trp20Arg). This variant is present in population databases (no rsID available, gnomAD 0.002%). This variant has not been reported in the literature in individuals affected with SEMA3E-related conditions. ClinVar contains an entry for this variant (Variation ID: 1321028). An algorithm developed to predict the effect of missense changes on protein structure and function (PolyPhen-2) suggests that this variant is likely to be tolerated. In summary, the available evidence is currently insufficient to determine the role of this variant in disease. Therefore, it has been classified as a Variant of Uncertain Significance.

Ambry Genetics
Classification: Uncertain significance. Last evaluated: 2022-06-09. Review status: criteria provided, single submitter. Criteria: Ambry Variant Classification Scheme 2023. Collection method: clinical testing. Allele origin: germline.

GeneDx
Classification: Uncertain significance. Last evaluated: 2019-08-23. Review status: criteria provided, single submitter. Criteria: GeneDx Variant Classification Process June 2021. Collection method: clinical testing. Allele origin: germline. Affected: yes.
Comment: Not observed at a significant frequency in large population cohorts (Lek et al., 2016); In silico analysis, which includes protein predictors and evolutionary conservation, supports that this variant does not alter protein structure/function; Has not been previously published as pathogenic or benign to our knowledge

NM_012431.3(SEMA3E):c.58T>C (p.Trp20Arg)

Gene: SEMA3E (semaphorin 3E; minus strand). Cytogenetic location: 7q21.11.
Variant type: single nucleotide variant.
Coding change: c.58T>C on transcript NM_012431.3 (MANE Select); coding-DNA position 58, T replaced by C.
Protein change: p.Trp20Arg; replaces tryptophan 20 with arginine.
Molecular consequence: missense variant.
Genome position (GRCh38, 1-based): chr7:83,648,485, A>G on the plus strand (T>C on the coding strand, the complement: SEMA3E is on the minus strand). VCF-style: chr7-83648485-A-G. GRCh37 (hg19) VCF-style: chr7-83277801-A-G.
Other names: short protein forms W20R.
Identifiers: ClinVar variation 1321028 (VCV001321028.11), dbSNP rs963545974, ClinGen allele CA161742663.